The following is an entry in ClinVar:

ClinVar aggregate classification (germline): Uncertain significance (1 of 4 stars; one submission).

Conditions:
ITGA9-related disorder. Also called: ITGA9-related condition.

gnomAD v4.1: 1 of 1,614,146 alleles (0.000062%); highest among the groups gnomAD compares: African/African-American, 0.0013%; no homozygotes.

Submission:

PreventionGenetics, part of Exact Sciences
Classification: Uncertain significance for ITGA9-related condition. Last evaluated: 2023-08-29. Review status: criteria provided, single submitter. Criteria: ACMG Guidelines, 2015. Collection method: clinical testing. Allele origin: germline.
Comment: The ITGA9 c.1786C>G variant is predicted to result in the amino acid substitution p.Leu596Val. To our knowledge, this variant has not been reported in the literature or in a large population database, indicating this variant is rare. At this time, the clinical significance of this variant is uncertain due to the absence of conclusive functional and genetic evidence.

NM_002207.3(ITGA9):c.1786C>G (p.Leu596Val)

Gene: ITGA9 (integrin subunit alpha 9; plus strand). Cytogenetic location: 3p22.2.
Variant type: single nucleotide variant.
Coding change: c.1786C>G on transcript NM_002207.3 (MANE Select); coding-DNA position 1786, C replaced by G.
Protein change: p.Leu596Val; replaces leucine 596 with valine.
Molecular consequence: missense variant.
Genome position (GRCh38, 1-based): chr3:37,629,283, C>G. VCF-style: chr3-37629283-C-G. GRCh37 (hg19) VCF-style: chr3-37670774-C-G.
Other names: short protein forms L596V.
Identifiers: ClinVar variation 2631073 (VCV002631073.1), dbSNP rs777228206, ClinGen allele CA352317196.